The following is an entry in ClinVar:

NM_000516.7(GNAS):c.546C>T (p.Ile182=)

Gene: GNAS (GNAS complex locus; plus strand). Cytogenetic location: 20q13.32.
Variant type: single nucleotide variant.
Coding change: c.546C>T on transcript NM_000516.7 (MANE Select); coding-DNA position 546, C replaced by T.
Protein change: p.Ile182=; no amino-acid change (isoleucine 182 retained).
Molecular consequence: synonymous variant. On other transcripts: 3 prime UTR variant (2).
Genome position (GRCh38, 1-based): chr20:58,909,177, C>T. VCF-style: chr20-58909177-C-T. GRCh37 (hg19) VCF-style: chr20-57484232-C-T.
Other names: c.549C>T, p.Ile183= (NM_001077488.5); c.501C>T, p.Ile167= (NM_001077489.4); c.*407C>T (NM_001077490.3); c.369C>T, p.Ile123= (NM_001309840.2, NM_001309861.2, NM_001438276.1 and 1 more transcripts); c.450C>T, p.Ile150= (NM_001410912.1); c.2430C>T, p.Ile810= (NM_001410913.1); c.324C>T, p.Ile108= (NM_001438273.1, NM_001438274.1, NM_001438275.1); c.*452C>T (NM_016592.5); and 2 more.
Identifiers: ClinVar variation 4982991 (VCV004982991.1).
Genomic context (GRCh38, chr20:58,909,177, plus strand): 5'-ATGTGAGCGCTGTGAACACCCCACGTGTCTTTCTTTTTCTCCCAGCTTCCTGGACAAGAT[C>T]GACGTGATCAAGCAGGCTGACTATGTGCCGAGCGATCAGGTGTGCAAAACCCCTCCCCAC-3'
Protein context (NP_000507.1, residues 172-192): IDCAQYFLDK[Ile182=]DVIKQADYVP

ClinVar aggregate classification (germline): Likely benign (1 of 4 stars; one submission).

Conditions:
GNAS-related disorder. Identifiers: MedGen CN380105.

gnomAD v4.1: 4 of 1,613,854 alleles (0.00025%); highest among the groups gnomAD compares: Middle Eastern, 0.016%; no homozygotes.

Submission:

PreventionGenetics, part of Exact Sciences
Classification: Likely benign for GNAS-related condition. Last evaluated: 2024-12-04. Review status: criteria provided, single submitter. Criteria: ACMG Guidelines, 2015. Collection method: clinical testing. Allele origin: germline.
Comment: This variant is classified as likely benign based on ACMG/AMP sequence variant interpretation guidelines (Richards et al. 2015 PMID: 25741868, with internal and published modifications).